The following is an entry in ClinVar:

ClinVar aggregate classification (germline): Uncertain significance (1 of 4 stars; one submission).

Allele frequency attached by ClinVar (database versions not stated): gnomAD exomes below 0.00001; TOPMed below 0.00001.
gnomAD v4.1: 3 of 1,576,586 alleles (0.00019%); highest among the groups gnomAD compares: Non-Finnish European, 0.00026%; no homozygotes.

Submission:

Labcorp Genetics (formerly Invitae), Labcorp
Classification: Uncertain significance. Last evaluated: 2021-10-18. Review status: criteria provided, single submitter. Criteria: Invitae Variant Classification Sherloc (09022015). Collection method: clinical testing. Allele origin: germline.
Comment: In summary, the available evidence is currently insufficient to determine the role of this variant in disease. Therefore, it has been classified as a Variant of Uncertain Significance. Algorithms developed to predict the effect of missense changes on protein structure and function are either unavailable or do not agree on the potential impact of this missense change (SIFT: "Not Available"; PolyPhen-2: "Possibly Damaging"; Align-GVGD: "Not Available"). This sequence change replaces tyrosine with cysteine at codon 440 of the IFT88 protein (p.Tyr440Cys). The tyrosine residue is weakly conserved and there is a large physicochemical difference between tyrosine and cysteine. This variant is not present in population databases (ExAC no frequency). This variant has not been reported in the literature in individuals affected with IFT88-related conditions.

NM_006531.5(IFT88):c.1292A>G (p.Tyr431Cys)

Gene: IFT88 (intraflagellar transport 88; plus strand). Cytogenetic location: 13q12.11.
Variant type: single nucleotide variant.
Coding change: c.1292A>G on transcript NM_006531.5 (MANE Select); coding-DNA position 1292, A replaced by G.
Protein change: p.Tyr431Cys; replaces tyrosine 431 with cysteine.
Molecular consequence: missense variant. On other transcripts: non-coding transcript variant (5).
Genome position (GRCh38, 1-based): chr13:20,625,842, A>G. VCF-style: chr13-20625842-A-G. GRCh37 (hg19) VCF-style: chr13-21199981-A-G.
Other names: c.1235A>G, p.Tyr412Cys (NM_001318491.2, NM_001353575.2); c.1133A>G, p.Tyr378Cys (NM_001353574.2); c.1217A>G, p.Tyr406Cys (NM_001353576.2, NM_001353577.2, NM_001353569.2 and 1 more transcripts); c.1190A>G, p.Tyr397Cys (NM_001353578.2, NM_001353571.2); c.659A>G, p.Tyr220Cys (NM_001353579.2); c.1319A>G, p.Tyr440Cys (NM_175605.5, NM_001318493.2, NM_001353565.2 and 2 more transcripts); c.1292A>G, p.Tyr431Cys (NM_001353568.2, NM_001353572.2); c.1148A>G, p.Tyr383Cys (NM_001353573.2); short protein forms Y440C, Y220C, Y378C, Y383C, Y397C, Y412C, Y406C, Y431C.
Identifiers: ClinVar variation 1358079 (VCV001358079.6), dbSNP rs2047206217, ClinGen allele CA387472226.